The following is an entry in ClinVar:

NM_145200.5(CABP4):c.10G>C (p.Glu4Gln)

Gene: CABP4 (calcium binding protein 4; plus strand). Cytogenetic location: 11q13.2.
Variant type: single nucleotide variant.
Coding change: c.10G>C on transcript NM_145200.5 (MANE Select); coding-DNA position 10, G replaced by C.
Protein change: p.Glu4Gln; replaces glutamic acid 4 with glutamine.
Molecular consequence: missense variant. On other transcripts: 5 prime UTR variant (1), non-coding transcript variant (1), splice acceptor variant (1), intron variant (1).
Genome position (GRCh38, 1-based): chr11:67,455,433, G>C. VCF-style: chr11-67455433-G-C. GRCh37 (hg19) VCF-style: chr11-67222904-G-C.
Other names: c.-374G>C (NM_001300895.3); c.-387-1G>C (NM_001379183.1); c.-112-276G>C (NM_001300896.3); short protein forms E4Q.
Identifiers: ClinVar variation 879532 (VCV000879532.15), dbSNP rs143494300, ClinGen allele CA6140052.
Genomic context (GRCh38, chr11:67,455,433, plus strand): 5'-GCCAAGGGTGCCCAGGGGTGTGGTGTCTCTGAGCCCTGTTATCCCTCCCCCATGACCACA[G>C]AGCAGGCAAGGGGGCAGCAGGGCCCAAATCTGGCCATTGGCCGTCAGAAGCCCCCTGCGG-3'
Protein context (NP_660201.1, residues 1-14): MTT[Glu4Gln]QARGQQGPNL

ClinVar aggregate classification (germline): Conflicting classifications of pathogenicity. Review status: criteria provided, conflicting classifications (1 of 4 stars). 5 submissions from 5 submitters: Uncertain significance (2); Benign (1); Likely benign (2). Last evaluated 2026-01-12.

Conditions:
Cone-rod synaptic disorder, congenital nonprogressive. Also called: NIGHT BLINDNESS, CONGENITAL STATIONARY, INCOMPLETE, AUTOSOMAL RECESSIVE. Identifiers: Orphanet 215, MedGen C4041558, MONDO:0012490, OMIM 610427.
CABP4-related disorder. Also called: CABP4-related condition.
Inborn genetic diseases. Identifiers: MedGen C0950123, MeSH D030342.

Allele frequency attached by ClinVar (database versions not stated): gnomAD exomes 0.00011 and 0.00033; ExAC 0.00018; ESP Exome Variant Server 0.00024; gnomAD 0.00027 and 0.00029; TOPMed 0.00028.
gnomAD v4.1: 217 of 1,610,002 alleles (0.013%); highest among the groups gnomAD compares: Admixed American, 0.079%; 1 homozygote.

Submissions (5):

Labcorp Genetics (formerly Invitae), Labcorp
Classification: Likely benign. Last evaluated: 2026-01-12. Review status: criteria provided, single submitter. Criteria: Invitae Variant Classification Sherloc (09022015). Collection method: clinical testing. Allele origin: germline.

PreventionGenetics, part of Exact Sciences
Classification: Likely benign for CABP4-related condition. Last evaluated: 2025-01-14. Review status: criteria provided, single submitter. Criteria: ACMG Guidelines, 2015. Collection method: clinical testing. Allele origin: germline.
Comment: This variant is classified as likely benign based on ACMG/AMP sequence variant interpretation guidelines (Richards et al. 2015 PMID: 25741868, with internal and published modifications).

Blueprint Genetics
Classification: Benign. Last evaluated: 2024-08-05. Review status: criteria provided, single submitter. Criteria: ACMG Guidelines, 2015. Collection method: clinical testing. Allele origin: germline.

Ambry Genetics
Classification: Uncertain significance for Inborn genetic diseases. Last evaluated: 2021-07-14. Review status: criteria provided, single submitter. Criteria: Ambry Variant Classification Scheme 2023. Collection method: clinical testing. Allele origin: germline.

Illumina Laboratory Services, Illumina
Classification: Uncertain significance for Cone-rod synaptic disorder, congenital nonprogressive. Last evaluated: 2018-01-13. Review status: criteria provided, single submitter. Criteria: ICSL Variant Classification Criteria 13 December 2019. Collection method: clinical testing. Allele origin: germline.